The following is an entry in ClinVar:

ClinVar aggregate classification (germline): Pathogenic. Review status: criteria provided, multiple submitters, no conflicts (2 of 4 stars). 11 submissions from 11 submitters: Pathogenic (9). 2 of the submissions do not count toward it. Last evaluated 2026-01-28.

Conditions:
MSH6-related disorder. Also called: MSH6-Related disorders; MSH6-related condition.
Hereditary nonpolyposis colorectal neoplasms. Identifiers: MedGen C0009405, MeSH D003123.
Breast and/or ovarian cancer. Identifiers: MedGen CN221562.
Hereditary cancer-predisposing syndrome. Also called: Hereditary neoplastic syndrome; Tumor predisposition; Hereditary Cancer Syndrome; Neoplastic Syndromes, Hereditary. Identifiers: Orphanet 140162, MedGen C0027672, MeSH D009386, MONDO:0015356.
Lynch syndrome. Identifiers: Orphanet 144, MedGen C4552100, MONDO:0005835. Disease mechanism: loss of function.
Lynch syndrome 5 (LYNCH5). Also called: Colorectal cancer, hereditary nonpolyposis, type 5; Hereditary non-polyposis colorectal cancer, type 5. Identifiers: Orphanet 144, MedGen C1833477, MONDO:0013710, OMIM 614350. Disease mechanism: loss of function.

gnomAD v4.1: 1 of 1,614,152 alleles (0.000062%); highest among the groups gnomAD compares: Non-Finnish European, 0.000085%; no homozygotes.

Submissions (11):

Labcorp Genetics (formerly Invitae), Labcorp
Classification: Pathogenic for Hereditary nonpolyposis colorectal neoplasms. Last evaluated: 2026-01-28. Review status: criteria provided, single submitter. Criteria: Invitae Variant Classification Sherloc (09022015). Collection method: clinical testing. Allele origin: germline.
Comment: This sequence change creates a premature translational stop signal (p.Ser564*) in the MSH6 gene. It is expected to result in an absent or disrupted protein product. Loss-of-function variants in MSH6 are known to be pathogenic (PMID: 18269114, 24362816). This variant is not present in population databases (gnomAD no frequency). This premature translational stop signal has been observed in individual(s) with Lynch syndrome (PMID: 27601186). Invitae Evidence Modeling of clinical and family history, age, sex, and reported ancestry of multiple individuals with this MSH6 variant has been performed. This variant is expected to be pathogenic with a positive predictive value of at least 99%. This is a validated machine learning model that incorporates the clinical features of 1,627,235 individuals referred to our laboratory for MSH6 testing. ClinVar contains an entry for this variant (Variation ID: 219551). For these reasons, this variant has been classified as Pathogenic.

GeneKor MSA
Classification: Pathogenic for Lynch syndrome. Last evaluated: 2025-06-20. Review status: criteria provided, single submitter. Criteria: ACMG Guidelines, 2015. Collection method: clinical testing. Allele origin: germline.
Comment: This variant introduces a premature stop codon at amino acid position 564 in the MSH6 gene p.(Ser564*), likely resulting in a truncated or absent protein. Such loss-of-function variants in MSH6 are well established as pathogenic (PMID:18269114, 24362816).he variant is listed in the ClinVar database under Variation ID:219551.Notably, a different nucleotide change (c.1691C>G) that leads to the same premature stop at position 564 -p.(Ser564*) has been identified in several families affected by Lynch syndrome (PMID:27601186).For these reasons, the variant is classified as pathogenic.

Ambry Genetics
Classification: Pathogenic for Hereditary cancer-predisposing syndrome. Last evaluated: 2024-10-28. Review status: criteria provided, single submitter. Criteria: Ambry Variant Classification Scheme 2023. Collection method: clinical testing. Allele origin: germline.
Comment: The p.S564* pathogenic mutation (also known as c.1691C>A), located in coding exon 4 of the MSH6 gene, results from a C to A substitution at nucleotide position 1691. This changes the amino acid from a serine to a stop codon within coding exon 4. This mutation has been detected in multiple endometrial cancer patients whose tumors demonstrated loss of MSH6 on immunohistochemistry (Ambry internal data). A different nucleotide change at this position (c.1691C>G) that leads to the same stop codon was seen in two Swedish families with Lynch syndrome (Lagerstedt-Robinson K et al. Oncol. Rep., 2016 Nov;36:2823-2835). In addition to the clinical data presented in the literature, this alteration is expected to result in loss of function by premature protein truncation or nonsense-mediated mRNA decay. As such, this alteration is interpreted as a disease-causing mutation.

Molecular Pathology, Peter Maccallum Cancer Centre
Classification: Pathogenic for Lynch syndrome 5. Last evaluated: 2024-10-09. Review status: criteria provided, single submitter. Criteria: ACMG Guidelines, 2015. Collection method: clinical testing. Allele origin: germline. Inheritance: Autosomal dominant inheritance.

Myriad Genetics, Inc.
Classification: Pathogenic for Lynch syndrome 5. Last evaluated: 2023-03-28. Review status: criteria provided, single submitter. Criteria: Myriad Autosomal Dominant, Autosomal Recessive and X-Linked Classification Criteria (2023). Collection method: clinical testing. Allele origin: unknown.
Comment: This variant is considered pathogenic. This variant creates a termination codon and is predicted to result in premature protein truncation.

PreventionGenetics, part of Exact Sciences
Classification: Pathogenic for MSH6-related condition. Last evaluated: 2022-09-21. Review status: criteria provided, single submitter. Criteria: ACMG Guidelines, 2015. Collection method: clinical testing. Allele origin: germline.
Comment: The MSH6 c.1691C>A variant is predicted to result in premature protein termination (p.Ser564*). This variant has been reported in an individual being tested on a hereditary colorectal cancer panel (Ferber et al. 2016. Journal of Medical Diagnostic Methods, vol 5). A different nucleotide variant (c.1691C>G) which also causes a premature termination codon at this position has been reported in individuals with Lynch syndrome (Lagerstedt-Robinson et al. 2016. PubMed ID: 27601186). This variant has not been reported in a large population database, indicating this variant is rare. Nonsense variants in MSH6 are expected to be pathogenic. Given the evidence, we interpret c.1691C>A (p.Ser564*) as pathogenic.

Color Diagnostics, LLC DBA Color Health
Classification: Pathogenic for Hereditary cancer-predisposing syndrome. Last evaluated: 2021-10-01. Review status: criteria provided, single submitter. Criteria: ACMG Guidelines, 2015. Collection method: clinical testing. Allele origin: germline.
Comment: This variant changes 1 nucleotide in exon 4 of the MSH6 gene, creating a premature translation stop signal. This variant is expected to result in an absent or non-functional protein product. A different DNA substitution resulting in the same protein consequence (c.1691C>G; p.Ser564*) has been observed in two families affected with Lynch syndrome (PMID: 27601186). This variant has not been identified in the general population by the Genome Aggregation Database (gnomAD). Loss of MSH6 function is a known mechanism of disease. Based on the available evidence, this variant is classified as Pathogenic.

Quest Diagnostics Nichols Institute San Juan Capistrano
Classification: Pathogenic. Last evaluated: 2018-01-16. Review status: criteria provided, single submitter. Criteria: Quest Diagnostics criteria. Collection method: clinical testing. Allele origin: germline.

GeneDx
Classification: Pathogenic. Last evaluated: 2017-04-14. Review status: criteria provided, single submitter. Criteria: GeneDx Variant Classification (06012015). Collection method: clinical testing. Allele origin: germline. Affected: yes.
Comment: This variant is denoted MSH6 c.1691C>A at the cDNA level and p.Ser564Ter (S564X) at the protein level. The substitution creates a nonsense variant, which changes a Serine to a premature stop codon (TCA>TAA), and is predicted to cause loss of normal protein function through either protein truncation or nonsense-mediated mRNA decay. This variant has been observed in an individual tested on a hereditary colorectal cancer panel (Ferber 2016). We consider this variant to be pathogenic.

CZECANCA consortium
Classification: Pathogenic for Breast and/or ovarian cancer. Last evaluated: 2019-06-11. Review status: no assertion criteria provided. Collection method: clinical testing. Allele origin: germline. Affected: yes. Observed: 1 variant allele. Not counted in ClinVar's aggregate classification.

Counsyl
Classification: Likely pathogenic for Lynch syndrome 5. Last evaluated: 2016-12-12. Review status: no assertion criteria provided. Collection method: clinical testing. Allele origin: unknown. Not counted in ClinVar's aggregate classification.

Literature cited by the submitters: PubMed 18269114 (cited by Labcorp Genetics (formerly Invitae), Labcorp and GeneKor MSA); PubMed 24362816 (cited by Labcorp Genetics (formerly Invitae), Labcorp and GeneKor MSA); PubMed 27601186 (cited by 4 submitters); PubMed 32295079 (cited by CZECANCA consortium).

NM_000179.3(MSH6):c.1691C>A (p.Ser564Ter)

Gene: MSH6 (mutS homolog 6; plus strand). Cytogenetic location: 2p16.3.
Variant type: single nucleotide variant.
Coding change: c.1691C>A on transcript NM_000179.3 (MANE Select); coding-DNA position 1691, C replaced by A.
Protein change: p.Ser564Ter; replaces serine 564 with a stop codon.
Molecular consequence: nonsense.
Genome position (GRCh38, 1-based): chr2:47,799,674, C>A. VCF-style: chr2-47799674-C-A. GRCh37 (hg19) VCF-style: chr2-48026813-C-A.
Other names: c.1301C>A, p.Ser434Ter (NM_001281492.2); c.785C>A, p.Ser262Ter (NM_001281493.2, NM_001281494.2); short protein forms S564*, S262*, S434*.
Identifiers: ClinVar variation 219551 (VCV000219551.30), dbSNP rs864622153, ClinGen allele CA349097.